The following is an entry in ClinVar:

ClinVar aggregate classification (germline): Uncertain significance (1 of 4 stars; one submission).

Submission:

Labcorp Genetics (formerly Invitae), Labcorp
Classification: Uncertain significance. Last evaluated: 2025-09-07. Review status: criteria provided, single submitter. Criteria: Invitae Variant Classification Sherloc (09022015). Collection method: clinical testing. Allele origin: germline.
Comment: This sequence change replaces glycine, which is neutral and non-polar, with arginine, which is basic and polar, at codon 2238 of the NBAS protein (p.Gly2238Arg). This variant is not present in population databases (gnomAD no frequency). This variant has not been reported in the literature in individuals affected with NBAS-related conditions. Invitae Evidence Modeling of protein sequence and biophysical properties (such as structural, functional, and spatial information, amino acid conservation, physicochemical variation, residue mobility, and thermodynamic stability) indicates that this missense variant is not expected to disrupt NBAS protein function with a negative predictive value of 95%. In summary, the available evidence is currently insufficient to determine the role of this variant in disease. Therefore, it has been classified as a Variant of Uncertain Significance.

NM_015909.4(NBAS):c.6712G>C (p.Gly2238Arg)

Gene: NBAS (NBAS subunit of NRZ tethering complex; minus strand). Cytogenetic location: 2p24.3.
Variant type: single nucleotide variant.
Coding change: c.6712G>C on transcript NM_015909.4 (MANE Select); coding-DNA position 6712, G replaced by C.
Protein change: p.Gly2238Arg; replaces glycine 2238 with arginine.
Molecular consequence: missense variant. On other transcripts: non-coding transcript variant (1).
Genome position (GRCh38, 1-based): chr2:15,179,116, C>G on the plus strand (G>C on the coding strand, the complement: NBAS is on the minus strand). VCF-style: chr2-15179116-C-G. GRCh37 (hg19) VCF-style: chr2-15319240-C-G.
Other names: short protein forms G2238R.
Identifiers: ClinVar variation 4746878 (VCV004746878.1).